The following is an entry in ClinVar:

ClinVar aggregate classification (germline): Likely benign (1 of 4 stars; one submission).

Allele frequency attached by ClinVar (database versions not stated): 1000 Genomes Project 0.01218; 1000 Genomes Project 30x 0.01359; gnomAD 0.01821 and 0.01825; TOPMed 0.02213.
gnomAD v4.1: 2,754 of 152,216 alleles (1.8%); highest among the groups gnomAD compares: Admixed American, 4%; 44 homozygotes.

Submission:

GeneDx
Classification: Likely benign. Last evaluated: 2018-06-14. Review status: criteria provided, single submitter. Criteria: GeneDx Variant Classification (06012015). Collection method: clinical testing. Allele origin: germline. Affected: yes.
Comment: This variant is considered likely benign or benign based on one or more of the following criteria: it is a conservative change, it occurs at a poorly conserved position in the protein, it is predicted to be benign by multiple in silico algorithms, and/or has population frequency not consistent with disease.

NM_000540.3(RYR1):c.5547+263C>T

Gene: RYR1 (ryanodine receptor 1; plus strand). Cytogenetic location: 19q13.2.
Variant type: single nucleotide variant.
Coding change: c.5547+263C>T on transcript NM_000540.3 (MANE Select); 263 bases into the intron after coding-DNA position 5547, C replaced by T.
Molecular consequence: intron variant.
Genome position (GRCh38, 1-based): chr19:38,486,465, C>T. VCF-style: chr19-38486465-C-T. GRCh37 (hg19) VCF-style: chr19-38977105-C-T.
Other names: c.5547+263C>T (NM_001042723.2).
Identifiers: ClinVar variation 680818 (VCV000680818.1), dbSNP rs12982083, ClinGen allele CA308094288.